The following is an entry in ClinVar:

NM_001080477.4(TENM3):c.5304+8C>G

Gene: TENM3 (teneurin transmembrane protein 3; plus strand). Cytogenetic location: 4q35.1.
Variant type: single nucleotide variant.
Coding change: c.5304+8C>G on transcript NM_001080477.4 (MANE Select); 8 bases into the intron after coding-DNA position 5304, C replaced by G.
Molecular consequence: intron variant.
Genome position (GRCh38, 1-based): chr4:182,775,161, C>G. VCF-style: chr4-182775161-C-G. GRCh37 (hg19) VCF-style: chr4-183696314-C-G.
Other names: c.5304+8C>G (NM_001080477.3).
Identifiers: ClinVar variation 2158825 (VCV002158825.6), dbSNP rs199619111, ClinGen allele CA3148592.

ClinVar aggregate classification (germline): Benign. Review status: criteria provided, single submitter (1 of 4 stars). 2 submissions from 2 submitters: Benign (1). 1 of the submissions does not count toward it. Last evaluated 2025-08-13.

Conditions:
TENM3-related disorder. Also called: TENM3-related condition.

Allele frequency attached by ClinVar (database versions not stated): ESP Exome Variant Server 0.00008; ExAC 0.00240; 1000 Genomes Project 30x 0.00484; 1000 Genomes Project 0.00539.
gnomAD v4.1: 1,570 of 1,612,700 alleles (0.097%); highest among the groups gnomAD compares: South Asian, 1.6%; 22 homozygotes.

Submissions (2):

Labcorp Genetics (formerly Invitae), Labcorp
Classification: Benign. Last evaluated: 2025-08-13. Review status: criteria provided, single submitter. Criteria: Invitae Variant Classification Sherloc (09022015). Collection method: clinical testing. Allele origin: germline.

PreventionGenetics, part of Exact Sciences
Classification: Likely benign for TENM3-related condition. Last evaluated: 2019-06-25. Review status: no assertion criteria provided. Collection method: clinical testing. Allele origin: germline. Not counted in ClinVar's aggregate classification.
Comment: This variant is classified as likely benign based on ACMG/AMP sequence variant interpretation guidelines (Richards et al. 2015 PMID: 25741868, with internal and published modifications).